The following is an entry in ClinVar:

ClinVar aggregate classification (germline): Pathogenic (1 of 4 stars; one submission).

Conditions:
Primary ciliary dyskinesia. Also called: Ciliary dyskinesia. Identifiers: Orphanet 244, MedGen C0008780, MONDO:0016575, HP:0012265.

Submission:

Labcorp Genetics (formerly Invitae), Labcorp
Classification: Pathogenic for Primary ciliary dyskinesia. Last evaluated: 2022-11-23. Review status: criteria provided, single submitter. Criteria: Invitae Variant Classification Sherloc (09022015). Collection method: clinical testing. Allele origin: germline.
Comment: For these reasons, this variant has been classified as Pathogenic. This variant has not been reported in the literature in individuals affected with RSPH4A-related conditions. This variant is not present in population databases (gnomAD no frequency). This sequence change creates a premature translational stop signal (p.Trp607*) in the RSPH4A gene. It is expected to result in an absent or disrupted protein product. Loss-of-function variants in RSPH4A are known to be pathogenic (PMID: 19200523).

Literature cited by the submitters: PubMed 19200523.

NM_001010892.3(RSPH4A):c.1821G>A (p.Trp607Ter)

Gene: RSPH4A (radial spoke head component 4A; plus strand). Cytogenetic location: 6q22.1.
Variant type: single nucleotide variant.
Coding change: c.1821G>A on transcript NM_001010892.3 (MANE Select); coding-DNA position 1821, G replaced by A.
Protein change: p.Trp607Ter; replaces tryptophan 607 with a stop codon.
Molecular consequence: nonsense. On other transcripts: missense variant (1).
Genome position (GRCh38, 1-based): chr6:116,630,457, G>A. VCF-style: chr6-116630457-G-A. GRCh37 (hg19) VCF-style: chr6-116951620-G-A.
Other names: c.1685G>A, p.Gly562Glu (NM_001161664.2); short protein forms G562E, W607*.
Identifiers: ClinVar variation 2803777 (VCV002803777.3), dbSNP rs2482810069, ClinGen allele CA365409831.
Genomic context (GRCh38, chr6:116,630,457, plus strand): 5'-TTAGGAATTAAGCTTTTGCATTTCTCTTTGGGTTCCAGAGATTCAGAATATACCCCCCTG[G>A]ACAACACGGTTATCCTCAAATCTCATTCCACAATATGCTATTGCAGTCCTTCAATCCAAC-3'